The following is an entry in ClinVar:

NM_212550.5(BLOC1S3):c.95C>A (p.Ser32Tyr)

Gene: BLOC1S3 (biogenesis of lysosomal organelles complex 1 subunit 3; plus strand). Cytogenetic location: 19q13.32.
Variant type: single nucleotide variant.
Coding change: c.95C>A on transcript NM_212550.5 (MANE Select); coding-DNA position 95, C replaced by A.
Protein change: p.Ser32Tyr; replaces serine 32 with tyrosine.
Molecular consequence: missense variant.
Genome position (GRCh38, 1-based): chr19:45,179,391, C>A. VCF-style: chr19-45179391-C-A. GRCh37 (hg19) VCF-style: chr19-45682649-C-A.
Other names: short protein forms S32Y.
Identifiers: ClinVar variation 3056510 (VCV003056510.2), dbSNP rs1280426153, ClinGen allele CA406344127.
Genomic context (GRCh38, chr19:45,179,391, plus strand): 5'-GGAGGCCGGAGACGGTGGTGCCGGGGGAGGCGACCGAGACGGATTCCGAGCGCTCTGCGT[C>A]CTCGTCGGAGGAGGAGGAGCTGTACCTGGGTCCTTCGGGCCCGACGCGCGGCCGCCCCAC-3'
Protein context (NP_997715.1, residues 22-42): ATETDSERSA[Ser32Tyr]SSEEEELYLG

ClinVar aggregate classification (germline): Uncertain significance (0 of 4 stars; one submission).

Conditions:
BLOC1S3-related disorder. Also called: BLOC1S3-related condition.

Submission:

PreventionGenetics, part of Exact Sciences
Classification: Uncertain significance for BLOC1S3-related condition. Last evaluated: 2023-12-20. Review status: no assertion criteria provided. Collection method: clinical testing. Allele origin: germline.
Comment: The BLOC1S3 c.95C>A variant is predicted to result in the amino acid substitution p.Ser32Tyr. To our knowledge, this variant has not been reported in the literature or in a large population database, indicating this variant is rare. At this time, the clinical significance of this variant is uncertain due to the absence of conclusive functional and genetic evidence.